The following is an entry in ClinVar:

ClinVar aggregate classification (germline): Pathogenic (1 of 4 stars; one submission).

gnomAD v4.1: 2 of 1,609,004 alleles (0.00012%); highest among the groups gnomAD compares: African/African-American, 0.0013%; no homozygotes.

Submission:

Labcorp Genetics (formerly Invitae), Labcorp
Classification: Pathogenic. Last evaluated: 2025-11-27. Review status: criteria provided, single submitter. Criteria: Invitae Variant Classification Sherloc (09022015). Collection method: clinical testing. Allele origin: germline.
Comment: This sequence change creates a premature translational stop signal (p.Arg372*) in the C7 gene. It is expected to result in an absent or disrupted protein product. Loss-of-function variants in C7 are known to be pathogenic (PMID: 9856499, 17407100). The frequency data for this variant in the population databases is considered unreliable, as metrics indicate poor data quality at this position in the gnomAD database. This variant has not been reported in the literature in individuals affected with C7-related conditions. For these reasons, this variant has been classified as Pathogenic.

Literature cited by the submitters: PubMed 9856499; PubMed 17407100.

NM_000587.4(C7):c.1114C>T (p.Arg372Ter)

Gene: C7 (complement C7; plus strand). Cytogenetic location: 5p13.1.
Variant type: single nucleotide variant.
Coding change: c.1114C>T on transcript NM_000587.4 (MANE Select); coding-DNA position 1114, C replaced by T.
Protein change: p.Arg372Ter; replaces arginine 372 with a stop codon.
Molecular consequence: nonsense.
Genome position (GRCh38, 1-based): chr5:40,955,407, C>T. VCF-style: chr5-40955407-C-T. GRCh37 (hg19) VCF-style: chr5-40955509-C-T.
Other names: short protein forms R372*.
Identifiers: ClinVar variation 4772136 (VCV004772136.1).